The following is an entry in ClinVar:

NM_007190.4(SEC23IP):c.2427C>T (p.Tyr809=)

Gene: SEC23IP (SEC23 interacting protein; plus strand). Cytogenetic location: 10q26.12.
Variant type: single nucleotide variant.
Coding change: c.2427C>T on transcript NM_007190.4 (MANE Select); coding-DNA position 2427, C replaced by T.
Protein change: p.Tyr809=; no amino-acid change (tyrosine 809 retained).
Molecular consequence: synonymous variant. On other transcripts: non-coding transcript variant (1).
Genome position (GRCh38, 1-based): chr10:119,929,720, C>T. VCF-style: chr10-119929720-C-T. GRCh37 (hg19) VCF-style: chr10-121689232-C-T.
Other names: c.2427C>T, p.Tyr809= (NM_001411070.1).
Identifiers: ClinVar variation 3049274 (VCV003049274.2), dbSNP rs139977415, ClinGen allele CA5718838.
Genomic context (GRCh38, chr10:119,929,720, plus strand): 5'-GGGGTCTCCAATTGCTATGTTTCTCACTATTCGAGGAGTTGATAGGATAGATGAGAATTA[C>T]AGCCTTCCTACCTGTAAAGGGTTCTTCAATATTTATCATCCGGTGAGTAATTGAATTTAC-3'
Protein context (NP_009121.1, residues 799-819): IRGVDRIDEN[Tyr809=]SLPTCKGFFN

ClinVar aggregate classification (germline): Likely benign (0 of 4 stars; one submission).

Conditions:
SEC23IP-related disorder. Also called: SEC23IP-related condition.

Allele frequency attached by ClinVar (database versions not stated): ESP Exome Variant Server 0.00015; gnomAD 0.00015; gnomAD exomes 0.00017; ExAC 0.00021; TOPMed 0.00024.
gnomAD v4.1: 297 of 1,602,174 alleles (0.019%); highest among the groups gnomAD compares: Admixed American, 0.018%; no homozygotes.

Submission:

PreventionGenetics, part of Exact Sciences
Classification: Likely benign for SEC23IP-related condition. Last evaluated: 2019-12-13. Review status: no assertion criteria provided. Collection method: clinical testing. Allele origin: germline.
Comment: This variant is classified as likely benign based on ACMG/AMP sequence variant interpretation guidelines (Richards et al. 2015 PMID: 25741868, with internal and published modifications).